The following is an entry in ClinVar:

NM_001312909.2(FAM111A):c.426G>T (p.Met142Ile)

Gene: FAM111A (FAM111 trypsin like peptidase A; plus strand). Cytogenetic location: 11q12.1.
Variant type: single nucleotide variant.
Coding change: c.426G>T on transcript NM_001312909.2 (MANE Select); coding-DNA position 426, G replaced by T.
Protein change: p.Met142Ile; replaces methionine 142 with isoleucine.
Molecular consequence: missense variant.
Genome position (GRCh38, 1-based): chr11:59,152,094, G>T. VCF-style: chr11-59152094-G-T. GRCh37 (hg19) VCF-style: chr11-58919567-G-T.
Other names: c.426G>T (NM_001142520.1); c.426G>T, p.Met142Ile (NM_001142519.3, NM_001142520.3, NM_001142521.3 and 29 more transcripts); short protein forms M142I.
Identifiers: ClinVar variation 3603741 (VCV003603741.3).
Genomic context (GRCh38, chr11:59,152,094, plus strand): 5'-AGGCCAAGAAATGCTTGTGCGTGGCACAGAAGGAATCAAAGAGTACATAAACCTTGGAAT[G>T]CCCCTCAGTTGTTTCCCTGAAGGTGGCCAGGTGGTCATTACATTTTCCCAAAGTAAAAGT-3'
Protein context (NP_001299838.1, residues 132-152): EGIKEYINLG[Met142Ile]PLSCFPEGGQ

ClinVar aggregate classification (germline): Uncertain significance. Review status: criteria provided, multiple submitters, no conflicts (2 of 4 stars). 2 submissions from 2 submitters: Uncertain significance (2). Last evaluated 2025-05-23.

Conditions:
Inborn genetic diseases. Identifiers: MedGen C0950123, MeSH D030342.

Submissions (2):

Ambry Genetics
Classification: Uncertain significance for Inborn genetic diseases. Last evaluated: 2025-05-23. Review status: criteria provided, single submitter. Criteria: Ambry Variant Classification Scheme 2023. Collection method: clinical testing. Allele origin: germline.

Labcorp Genetics (formerly Invitae), Labcorp
Classification: Uncertain significance. Last evaluated: 2024-05-09. Review status: criteria provided, single submitter. Criteria: Invitae Variant Classification Sherloc (09022015). Collection method: clinical testing. Allele origin: germline.
Comment: This sequence change replaces methionine, which is neutral and non-polar, with isoleucine, which is neutral and non-polar, at codon 142 of the FAM111A protein (p.Met142Ile). This variant is present in population databases (no rsID available, gnomAD 0.003%). This variant has not been reported in the literature in individuals affected with FAM111A-related conditions. Advanced modeling of protein sequence and biophysical properties (such as structural, functional, and spatial information, amino acid conservation, physicochemical variation, residue mobility, and thermodynamic stability) performed at Invitae indicates that this missense variant is not expected to disrupt FAM111A protein function with a negative predictive value of 80%. In summary, the available evidence is currently insufficient to determine the role of this variant in disease. Therefore, it has been classified as a Variant of Uncertain Significance.